The following is an entry in ClinVar:

NM_000090.4(COL3A1):c.3749G>A (p.Ser1250Asn)

Gene: COL3A1 (collagen type III alpha 1 chain; plus strand). Cytogenetic location: 2q32.2.
Variant type: single nucleotide variant.
Coding change: c.3749G>A on transcript NM_000090.4 (MANE Select); coding-DNA position 3749, G replaced by A.
Protein change: p.Ser1250Asn; replaces serine 1250 with asparagine.
Molecular consequence: missense variant.
Genome position (GRCh38, 1-based): chr2:189,009,147, G>A. VCF-style: chr2-189009147-G-A. GRCh37 (hg19) VCF-style: chr2-189873873-G-A.
Other names: short protein forms S1250N.
Identifiers: ClinVar variation 2156463 (VCV002156463.1), dbSNP rs370345719, ClinGen allele CA62562976.

ClinVar aggregate classification (germline): Uncertain significance (1 of 4 stars; one submission).

Conditions:
Ehlers-Danlos syndrome, type 4 (EDSVASC). Also called: Ehlers-Danlos syndrome vascular type; Ehlers Danlos syndrome, ecchymotic type; Ehlers Danlos syndrome, arterial type; Ehlers Danlos syndrome, Sack-Barabas type; Ehlers-Danlos Syndrome Type IV. Identifiers: Orphanet 286, MedGen C0268338, MONDO:0017314, OMIM 130050.

Submission:

Labcorp Genetics (formerly Invitae), Labcorp
Classification: Uncertain significance for Ehlers-Danlos syndrome, type 4. Last evaluated: 2022-08-30. Review status: criteria provided, single submitter. Criteria: Invitae Variant Classification Sherloc (09022015). Collection method: clinical testing. Allele origin: germline.
Comment: This sequence change replaces serine, which is neutral and polar, with asparagine, which is neutral and polar, at codon 1250 of the COL3A1 protein (p.Ser1250Asn). This variant is not present in population databases (gnomAD no frequency). This variant has not been reported in the literature in individuals affected with COL3A1-related conditions. Advanced modeling of protein sequence and biophysical properties (such as structural, functional, and spatial information, amino acid conservation, physicochemical variation, residue mobility, and thermodynamic stability) performed at Invitae indicates that this missense variant is not expected to disrupt COL3A1 protein function. In summary, the available evidence is currently insufficient to determine the role of this variant in disease. Therefore, it has been classified as a Variant of Uncertain Significance.